The following is an entry in ClinVar:

ClinVar aggregate classification (germline): Uncertain significance (1 of 4 stars; one submission).

gnomAD v4.1: 2 of 1,611,826 alleles (0.00012%); highest among the groups gnomAD compares: Non-Finnish European, 0.00017%; no homozygotes.

Submission:

Ambry Genetics
Classification: Uncertain significance. Last evaluated: 2024-11-16. Review status: criteria provided, single submitter. Criteria: Ambry Variant Classification Scheme 2023. Collection method: clinical testing. Allele origin: germline.
Comment: The p.Q418R variant (also known as c.1253A>G), located in coding exon 11 of the BUB1 gene, results from an A to G substitution at nucleotide position 1253. The glutamine at codon 418 is replaced by arginine, an amino acid with highly similar properties. This amino acid position is conserved. In addition, this alteration is predicted to be tolerated by in silico analysis. Based on the available evidence, the clinical significance of this variant remains unclear.

NM_004336.5(BUB1):c.1253A>G (p.Gln418Arg)

Gene: BUB1 (BUB1 mitotic checkpoint serine/threonine kinase; minus strand). Cytogenetic location: 2q13.
Variant type: single nucleotide variant.
Coding change: c.1253A>G on transcript NM_004336.5 (MANE Select); coding-DNA position 1253, A replaced by G.
Protein change: p.Gln418Arg; replaces glutamine 418 with arginine.
Molecular consequence: missense variant.
Genome position (GRCh38, 1-based): chr2:110,660,001, T>C on the plus strand (A>G on the coding strand, the complement: BUB1 is on the minus strand). VCF-style: chr2-110660001-T-C. GRCh37 (hg19) VCF-style: chr2-111417578-T-C.
Other names: c.1193A>G, p.Gln398Arg (NM_001278616.2); c.1253A>G, p.Gln418Arg (NM_001278617.2); short protein forms Q418R, Q398R.
Identifiers: ClinVar variation 3482980 (VCV003482980.1).